The following is an entry in ClinVar:

ClinVar aggregate classification (germline): Uncertain significance (1 of 4 stars; one submission).

Conditions:
Congenital myasthenic syndrome 8. Also called: MYASTHENIC SYNDROME, CONGENITAL, DUE TO AGRIN DEFICIENCY; Myasthenic syndrome, congenital, 8, with pre- and postsynaptic defects. Identifiers: Orphanet 590, MedGen C3808739, MONDO:0014052, OMIM 615120.

Submission:

Labcorp Genetics (formerly Invitae), Labcorp
Classification: Uncertain significance for Congenital myasthenic syndrome 8. Last evaluated: 2021-02-22. Review status: criteria provided, single submitter. Criteria: Invitae Variant Classification Sherloc (09022015). Collection method: clinical testing. Allele origin: germline.
Comment: In summary, the available evidence is currently insufficient to determine the role of this variant in disease. Therefore, it has been classified as a Variant of Uncertain Significance. This sequence change replaces proline with alanine at codon 627 of the AGRN protein (p.Pro627Ala). The proline residue is moderately conserved and there is a small physicochemical difference between proline and alanine. This variant is not present in population databases (ExAC no frequency). This variant has not been reported in the literature in individuals with AGRN-related conditions. Algorithms developed to predict the effect of missense changes on protein structure and function are either unavailable or do not agree on the potential impact of this missense change (SIFT: "Tolerated"; PolyPhen-2: "Probably Damaging"; Align-GVGD: "Class C0").

NM_198576.4(AGRN):c.1879C>G (p.Pro627Ala)

Gene: AGRN (agrin; plus strand). Cytogenetic location: 1p36.33.
Variant type: single nucleotide variant.
Coding change: c.1879C>G on transcript NM_198576.4 (MANE Select); coding-DNA position 1879, C replaced by G.
Protein change: p.Pro627Ala; replaces proline 627 with alanine.
Molecular consequence: missense variant.
Genome position (GRCh38, 1-based): chr1:1,043,903, C>G. VCF-style: chr1-1043903-C-G. GRCh37 (hg19) VCF-style: chr1-979283-C-G.
Other names: c.1879C>G, p.Pro627Ala (NM_001305275.2); c.1564C>G, p.Pro522Ala (NM_001364727.2); short protein forms P627A, P522A.
Identifiers: ClinVar variation 972486 (VCV000972486.9), dbSNP rs1180781232, ClinGen allele CA337834936.